The following is an entry in ClinVar:

NM_004446.3(EPRS1):c.641A>G (p.His214Arg)

Gene: EPRS1 (glutamyl-prolyl-tRNA synthetase 1; minus strand). Cytogenetic location: 1q41.
Variant type: single nucleotide variant.
Coding change: c.641A>G on transcript NM_004446.3 (MANE Select); coding-DNA position 641, A replaced by G.
Protein change: p.His214Arg; replaces histidine 214 with arginine.
Molecular consequence: missense variant.
Genome position (GRCh38, 1-based): chr1:220,025,241, T>C on the plus strand (A>G on the coding strand, the complement: EPRS1 is on the minus strand). VCF-style: chr1-220025241-T-C. GRCh37 (hg19) VCF-style: chr1-220198583-T-C.
Other names: short protein forms H214R.
Identifiers: ClinVar variation 2664966 (VCV002664966.2), dbSNP rs2528034796, ClinGen allele CA344633652.

ClinVar aggregate classification (germline): Uncertain significance (1 of 4 stars; one submission).

Conditions:
Leukodystrophy, hypomyelinating, 15. Identifiers: MedGen C4693733, MONDO:0054782, OMIM 617951.

Allele frequency attached by ClinVar (database versions not stated): gnomAD exomes below 0.00001.
gnomAD v4.1: 1 of 1,604,834 alleles (0.000062%); highest among the groups gnomAD compares: Non-Finnish European, 0.000085%; no homozygotes.

Submission:

Institute of Human Genetics, University of Leipzig Medical Center
Classification: Uncertain significance for Leukodystrophy, hypomyelinating, 15. Last evaluated: 2023-11-06. Review status: criteria provided, single submitter. Criteria: ACMG Guidelines, 2015. Collection method: clinical testing. Allele origin: paternal. Inheritance: Autosomal recessive inheritance. Affected: yes.
Comment: Criteria applied: PM2_SUP,PP3